The following is an entry in ClinVar:

ClinVar aggregate classification (germline): Uncertain significance (1 of 4 stars; one submission).

Submission:

Labcorp Genetics (formerly Invitae), Labcorp
Classification: Uncertain significance. Last evaluated: 2022-08-23. Review status: criteria provided, single submitter. Criteria: Invitae Variant Classification Sherloc (09022015). Collection method: clinical testing. Allele origin: germline.
Comment: In summary, the available evidence is currently insufficient to determine the role of this variant in disease. Therefore, it has been classified as a Variant of Uncertain Significance. Algorithms developed to predict the effect of sequence changes on RNA splicing suggest that this variant may create or strengthen a splice site. Algorithms developed to predict the effect of missense changes on protein structure and function are either unavailable or do not agree on the potential impact of this missense change (SIFT: "Deleterious"; PolyPhen-2: "Possibly Damaging"; Align-GVGD: "Class C0"). ClinVar contains an entry for this variant (Variation ID: 1387291). This variant has not been reported in the literature in individuals affected with MME-related conditions. This variant is not present in population databases (gnomAD no frequency). This sequence change replaces isoleucine, which is neutral and non-polar, with phenylalanine, which is neutral and non-polar, at codon 719 of the MME protein (p.Ile719Phe).

NM_007289.4(MME):c.2155A>T (p.Ile719Phe)

Gene: MME (membrane metalloendopeptidase; plus strand). Cytogenetic location: 3q25.2.
Variant type: single nucleotide variant.
Coding change: c.2155A>T on transcript NM_007289.4 (MANE Select); coding-DNA position 2155, A replaced by T.
Protein change: p.Ile719Phe; replaces isoleucine 719 with phenylalanine.
Molecular consequence: missense variant.
Genome position (GRCh38, 1-based): chr3:155,180,361, A>T. VCF-style: chr3-155180361-A-T. GRCh37 (hg19) VCF-style: chr3-154898150-A-T.
Other names: c.2155A>T, p.Ile719Phe (NM_000902.5, NM_001354642.2, NM_001354643.1 and 2 more transcripts); short protein forms I719F.
Identifiers: ClinVar variation 1387291 (VCV001387291.8), dbSNP rs2108392397, ClinGen allele CA355219250.